The following is an entry in ClinVar:

ClinVar aggregate classification (germline): Uncertain significance (1 of 4 stars; one submission).

Conditions:
CTLA4-related disorder. Also called: CTLA4-related condition.

gnomAD v4.1: 10 of 1,608,324 alleles (0.00062%); highest among the groups gnomAD compares: Non-Finnish European, 0.00085%; no homozygotes.

Submission:

PreventionGenetics, part of Exact Sciences
Classification: Uncertain significance for CTLA4-related condition. Last evaluated: 2026-05-21. Review status: criteria provided, single submitter. Criteria: ACMG Guidelines, 2015. Collection method: clinical testing. Allele origin: germline.
Comment: The CTLA4 c.581G>A variant is predicted to result in the amino acid substitution p.Ser194Asn. To our knowledge, this variant has not been reported in the literature or in a large population database (gnomAD), indicating this variant is rare. At the time of reporting this variant was not present in ClinVar. At this time, the clinical significance of this variant is uncertain due to the absence of conclusive functional and genetic evidence.

NM_005214.5(CTLA4):c.581G>A (p.Ser194Asn)

Gene: CTLA4 (cytotoxic T-lymphocyte associated protein 4; plus strand). Cytogenetic location: 2q33.2.
Variant type: single nucleotide variant.
Coding change: c.581G>A on transcript NM_005214.5 (MANE Select); coding-DNA position 581, G replaced by A.
Protein change: p.Ser194Asn; replaces serine 194 with asparagine.
Molecular consequence: missense variant. On other transcripts: synonymous variant (1).
Genome position (GRCh38, 1-based): chr2:203,872,721, G>A. VCF-style: chr2-203872721-G-A. GRCh37 (hg19) VCF-style: chr2-204737444-G-A.
Other names: c.471G>A, p.Lys157= (NM_001037631.3); short protein forms S194N.
Identifiers: ClinVar variation 4993854 (VCV004993854.1).